The following is an entry in ClinVar:

NM_005255.4(GAK):c.2382G>T (p.Thr794=)

Gene: GAK (cyclin G associated kinase; minus strand). Cytogenetic location: 4p16.3.
Variant type: single nucleotide variant.
Coding change: c.2382G>T on transcript NM_005255.4 (MANE Select); coding-DNA position 2382, G replaced by T.
Protein change: p.Thr794=; no amino-acid change (threonine 794 retained).
Molecular consequence: synonymous variant.
Genome position (GRCh38, 1-based): chr4:868,552, C>A on the plus strand (G>T on the coding strand, the complement: GAK is on the minus strand). VCF-style: chr4-868552-C-A. GRCh37 (hg19) VCF-style: chr4-862340-C-A.
Other names: c.2145G>T, p.Thr715= (NM_001318134.2).
Identifiers: ClinVar variation 2654530 (VCV002654530.24), dbSNP rs115244803, ClinGen allele CA2797817.
Genomic context (GRCh38, chr4:868,552, plus strand): 5'-CAGGGGCCTGCCCTCTGCAAGTGGCCAGGTCCAGGGACGCTGCCTACCCTGCCAGTCCAG[C>A]GTGTGCAGGAAGCGACTGGCGTCCGCGCTGCTGCTTGGCGGTGAGTCAGAGTCTGTGGGT-3'
Protein context (NP_005246.2, residues 784-804): SSADASRFLH[Thr794=]LDWQEEKEAE

ClinVar aggregate classification (germline): Likely benign (1 of 4 stars; one submission).

Allele frequency attached by ClinVar (database versions not stated): 1000 Genomes Project 30x 0.00172; 1000 Genomes Project 0.00180; ESP Exome Variant Server 0.00515.
gnomAD v4.1: 10,516 of 1,607,490 alleles (0.65%); highest among the groups gnomAD compares: Non-Finnish European, 0.83%; 43 homozygotes.

Submission:

CeGaT Center for Human Genetics Tuebingen
Classification: Likely benign. Last evaluated: 2022-06-01. Review status: criteria provided, single submitter. Criteria: CeGaT Center For Human Genetics Tuebingen Variant Classification Criteria Version 2. Collection method: clinical testing. Allele origin: germline. Affected: yes. Observed: 1 variant allele.
Comment: GAK: BP4, BP7